The following is an entry in ClinVar:

NM_020632.3(ATP6V0A4):c.1040G>C (p.Gly347Ala)

Gene: ATP6V0A4 (ATPase H+ transporting V0 subunit a4; minus strand). Cytogenetic location: 7q34.
Variant type: single nucleotide variant.
Coding change: c.1040G>C on transcript NM_020632.3 (MANE Select); coding-DNA position 1040, G replaced by C.
Protein change: p.Gly347Ala; replaces glycine 347 with alanine.
Molecular consequence: missense variant.
Genome position (GRCh38, 1-based): chr7:138,749,307, C>G on the plus strand (G>C on the coding strand, the complement: ATP6V0A4 is on the minus strand). VCF-style: chr7-138749307-C-G. GRCh37 (hg19) VCF-style: chr7-138434052-C-G.
Other names: c.1040G>C, p.Gly347Ala (NM_130840.3, NM_130841.3); short protein forms G347A.
Identifiers: ClinVar variation 2106761 (VCV002106761.4), dbSNP rs2485225657, ClinGen allele CA369371957.
Genomic context (GRCh38, chr7:138,749,307, plus strand): 5'-TTAAATGTGGGAGGGGCTGTTTTAGATTGCACTGTGGTCATGATGGGGGCCATGGAGGAG[C>G]CACTTAGTTCCTGGAAAAAAAAAAAAAAGCGACAAAGATGTAAGGAGAAGAGTCTTGGGC-3'
Protein context (NP_065683.2, residues 337-357): RALEQGMELS[Gly347Ala]SSMAPIMTTV

ClinVar aggregate classification (germline): Uncertain significance (1 of 4 stars; one submission).

Submission:

Labcorp Genetics (formerly Invitae), Labcorp
Classification: Uncertain significance. Last evaluated: 2022-03-04. Review status: criteria provided, single submitter. Criteria: Invitae Variant Classification Sherloc (09022015). Collection method: clinical testing. Allele origin: germline.
Comment: Algorithms developed to predict the effect of missense changes on protein structure and function are either unavailable or do not agree on the potential impact of this missense change (SIFT: "Tolerated"; PolyPhen-2: "Probably Damaging"; Align-GVGD: "Class C0"). In summary, the available evidence is currently insufficient to determine the role of this variant in disease. Therefore, it has been classified as a Variant of Uncertain Significance. This variant has not been reported in the literature in individuals affected with ATP6V0A4-related conditions. This variant is not present in population databases (gnomAD no frequency). This sequence change replaces glycine, which is neutral and non-polar, with alanine, which is neutral and non-polar, at codon 347 of the ATP6V0A4 protein (p.Gly347Ala).